The following is an entry in ClinVar:

ClinVar aggregate classification (germline): Conflicting classifications of pathogenicity. Review status: criteria provided, conflicting classifications (1 of 4 stars). 2 submissions from 2 submitters: Uncertain significance (1); Benign (1). Last evaluated 2026-06-19.

Conditions:
RAI1-related disorder. Also called: RAI1-related condition.

Allele frequency attached by ClinVar (database versions not stated): ExAC 0.00001; gnomAD 0.00002; TOPMed 0.00004.
gnomAD v4.1: 49 of 1,612,986 alleles (0.003%); highest among the groups gnomAD compares: Non-Finnish European, 0.0039%; no homozygotes.

Submissions (2):

PreventionGenetics, part of Exact Sciences
Classification: Uncertain significance for RAI1-related condition. Last evaluated: 2026-06-19. Review status: criteria provided, single submitter. Criteria: ACMG Guidelines, 2015. Collection method: clinical testing. Allele origin: germline.
Comment: The RAI1 c.1855G>A variant is predicted to result in the amino acid substitution p.Gly619Ser. To our knowledge, this variant has not been reported in the literature. This variant is reported in 0.0040% of alleles in individuals of African descent in gnomAD. At this time, the clinical significance of this variant is uncertain due to the absence of conclusive functional and genetic evidence.

Labcorp Genetics (formerly Invitae), Labcorp
Classification: Benign. Last evaluated: 2025-03-15. Review status: criteria provided, single submitter. Criteria: Invitae Variant Classification Sherloc (09022015). Collection method: clinical testing. Allele origin: germline.

NM_030665.4(RAI1):c.1855G>A (p.Gly619Ser)

Gene: RAI1 (retinoic acid induced 1; plus strand). Cytogenetic location: 17p11.2.
Variant type: single nucleotide variant.
Coding change: c.1855G>A on transcript NM_030665.4 (MANE Select); coding-DNA position 1855, G replaced by A.
Protein change: p.Gly619Ser; replaces glycine 619 with serine.
Molecular consequence: missense variant.
Genome position (GRCh38, 1-based): chr17:17,794,803, G>A. VCF-style: chr17-17794803-G-A. GRCh37 (hg19) VCF-style: chr17-17698117-G-A.
Other names: c.1855G>A (NM_030665.3); short protein forms G619S.
Identifiers: ClinVar variation 2147140 (VCV002147140.5), dbSNP rs778915789, ClinGen allele CA8418412.